The following is an entry in ClinVar:

ClinVar aggregate classification (germline): Conflicting classifications of pathogenicity. Review status: criteria provided, conflicting classifications (1 of 4 stars). 6 submissions from 6 submitters: Uncertain significance (5); Likely benign (1). Last evaluated 2025-05-05.

Conditions:
Hereditary cancer-predisposing syndrome. Also called: Tumor predisposition; Hereditary neoplastic syndrome; Neoplastic Syndromes, Hereditary; Hereditary Cancer Syndrome. Identifiers: Orphanet 140162, MedGen C0027672, MeSH D009386, MONDO:0015356.
Cardiovascular phenotype. Identifiers: MedGen CN230736.
Neurofibromatosis, type 1 (NF1). Also called: Peripheral type neurofibromatosis; Neurofibromatosis, type I; NEUROFIBROMATOSIS, TYPE I, SOMATIC; VON RECKLINGHAUSEN DISEASE. Identifiers: Orphanet 636, MedGen C0027831, MONDO:0018975, OMIM 162200. Disease mechanism: loss of function.

Allele frequency attached by ClinVar (database versions not stated): gnomAD exomes below 0.00001 and 0.00001.
gnomAD v4.1: 2 of 1,613,880 alleles (0.00012%); highest among the groups gnomAD compares: Non-Finnish European, 0.000085%; no homozygotes.

Submissions (6):

Labcorp Genetics (formerly Invitae), Labcorp
Classification: Likely benign for Neurofibromatosis, type 1. Last evaluated: 2025-05-05. Review status: criteria provided, single submitter. Criteria: Invitae Variant Classification Sherloc (09022015). Collection method: clinical testing. Allele origin: germline.

Ambry Genetics
Classification: Uncertain significance for Cardiovascular phenotype; Hereditary cancer-predisposing syndrome. Last evaluated: 2025-04-12. Review status: criteria provided, single submitter. Criteria: Ambry Variant Classification Scheme 2023. Collection method: clinical testing. Allele origin: germline.
Comment: The p.V2627G variant (also known as c.7880T>G), located in coding exon 53 of the NF1 gene, results from a T to G substitution at nucleotide position 7880. The valine at codon 2627 is replaced by glycine, an amino acid with dissimilar properties. This amino acid position is highly conserved in available vertebrate species. In addition, this alteration is predicted to be deleterious by in silico analysis. Since supporting evidence is limited at this time, the clinical significance of this alteration remains unclear.

GeneDx
Classification: Uncertain significance. Last evaluated: 2023-11-27. Review status: criteria provided, single submitter. Criteria: GeneDx Variant Classification Process June 2021. Collection method: clinical testing. Allele origin: germline. Affected: yes.
Comment: In silico analysis supports that this missense variant has a deleterious effect on protein structure/function; Has not been previously published as pathogenic or benign to our knowledge; This variant is associated with the following publications: (PMID: 25486365)

Blueprint Genetics
Classification: Uncertain significance. Last evaluated: 2022-04-19. Review status: criteria provided, single submitter. Criteria: ACMG Guidelines, 2015. Collection method: clinical testing. Allele origin: germline.

Genome-Nilou Lab
Classification: Uncertain significance for Neurofibromatosis, type 1. Last evaluated: 2022-03-15. Review status: criteria provided, single submitter. Criteria: ACMG Guidelines, 2015. Collection method: clinical testing. Allele origin: germline. Affected: no.

Athena Diagnostics
Classification: Uncertain significance. Last evaluated: 2019-11-04. Review status: criteria provided, single submitter. Criteria: Athena Diagnostics Criteria. Collection method: clinical testing. Allele origin: unknown.

NM_001042492.3(NF1):c.7943T>G (p.Val2648Gly)

Gene: NF1 (neurofibromin 1; plus strand). Cytogenetic location: 17q11.2.
Variant type: single nucleotide variant.
Coding change: c.7943T>G on transcript NM_001042492.3 (MANE Select); coding-DNA position 7943, T replaced by G.
Protein change: p.Val2648Gly; replaces valine 2648 with glycine.
Molecular consequence: missense variant.
Genome position (GRCh38, 1-based): chr17:31,357,342, T>G. VCF-style: chr17-31357342-T-G. GRCh37 (hg19) VCF-style: chr17-29684360-T-G.
Other names: c.7880T>G, p.Val2627Gly (NM_000267.4); short protein forms V2627G, V2648G.
Identifiers: ClinVar variation 827310 (VCV000827310.17), dbSNP rs1487025591, ClinGen allele CA399203512.